The following is an entry in ClinVar:

NM_000075.4(CDK4):c.317A>T (p.Lys106Met)

Gene: CDK4 (cyclin dependent kinase 4; minus strand). Cytogenetic location: 12q14.1.
Variant type: single nucleotide variant.
Coding change: c.317A>T on transcript NM_000075.4 (MANE Select); coding-DNA position 317, A replaced by T.
Protein change: p.Lys106Met; replaces lysine 106 with methionine.
Molecular consequence: missense variant.
Genome position (GRCh38, 1-based): chr12:57,751,244, T>A on the plus strand (A>T on the coding strand, the complement: CDK4 is on the minus strand). VCF-style: chr12-57751244-T-A. GRCh37 (hg19) VCF-style: chr12-58145027-T-A.
Other names: short protein forms K106M.
Identifiers: ClinVar variation 4224580 (VCV004224580.1).

ClinVar aggregate classification (germline): Uncertain significance (1 of 4 stars; one submission).

Conditions:
Hereditary cancer-predisposing syndrome. Also called: Hereditary Cancer Syndrome; Hereditary neoplastic syndrome; Neoplastic Syndromes, Hereditary; Tumor predisposition. Identifiers: Orphanet 140162, MedGen C0027672, MeSH D009386, MONDO:0015356.

gnomAD v4.1: 1 of 1,614,196 alleles (0.000062%); highest among the groups gnomAD compares: Non-Finnish European, 0.000085%; no homozygotes.

Submission:

Ambry Genetics
Classification: Uncertain significance for Hereditary cancer-predisposing syndrome. Last evaluated: 2025-08-20. Review status: criteria provided, single submitter. Criteria: Ambry Variant Classification Scheme 2023. Collection method: clinical testing. Allele origin: germline.
Comment: The p.K106M variant (also known as c.317A>T), located in coding exon 2 of the CDK4 gene, results from an A to T substitution at nucleotide position 317. The lysine at codon 106 is replaced by methionine, an amino acid with similar properties. This amino acid position is well conserved in available vertebrate species. In addition, this alteration is predicted to be tolerated by in silico analysis. Based on the available evidence, the clinical significance of this variant remains unclear.